The following is an entry in ClinVar:

ClinVar aggregate classification (germline): Uncertain significance. Review status: criteria provided, multiple submitters, no conflicts (2 of 4 stars). 2 submissions from 2 submitters: Uncertain significance (2). Last evaluated 2024-04-15.

Submissions (2):

Labcorp Genetics (formerly Invitae), Labcorp
Classification: Uncertain significance. Last evaluated: 2024-04-15. Review status: criteria provided, single submitter. Criteria: Invitae Variant Classification Sherloc (09022015). Collection method: clinical testing. Allele origin: germline.
Comment: This sequence change creates a premature translational stop signal (p.Lys487Thrfs*2) in the RECQL gene. It is expected to result in an absent or disrupted protein product. However, the current clinical and genetic evidence is not sufficient to establish whether loss-of-function variants in RECQL cause disease. This variant is not present in population databases (gnomAD no frequency). This premature translational stop signal has been observed in individual(s) with breast and prostate cancer (PMID: 28975465, 29625052). In summary, the available evidence is currently insufficient to determine the role of this variant in disease. Therefore, it has been classified as a Variant of Uncertain Significance.

Ambry Genetics
Classification: Uncertain significance. Last evaluated: 2023-11-01. Review status: criteria provided, single submitter. Criteria: Ambry Variant Classification Scheme 2023. Collection method: clinical testing. Allele origin: germline.
Comment: The c.1460_1463delAGAA variant, located in coding exon 12 of the RECQL gene, results from a deletion of 4 nucleotides at nucleotide positions 1460 to 1463, causing a translational frameshift with a predicted alternate stop codon (p.K487Tfs*2). This alteration is expected to result in loss of function by premature protein truncation or nonsense-mediated mRNA decay. The evidence for this gene-disease relationship is limited; therefore, the clinical significance of this alteration is unclear.

Literature cited by the submitters: PubMed 28975465 (cited by Labcorp Genetics (formerly Invitae), Labcorp); PubMed 29625052 (cited by Labcorp Genetics (formerly Invitae), Labcorp).

NM_002907.4(RECQL):c.1460_1463del (p.Lys487fs)

Gene: RECQL (RecQ like helicase; minus strand). Cytogenetic location: 12p12.1.
Variant type: Microsatellite.
Coding change: c.1460_1463del on transcript NM_002907.4 (MANE Select); coding-DNA positions 1460 to 1463, 4 bases deleted (AGAA; older notation c.1460_1463delAGAA).
Protein change: p.Lys487fs; shifts the reading frame from lysine 487.
Molecular consequence: frameshift variant.
Genome position (GRCh38, 1-based): chr12:21,471,632-21,471,635, TTCT deleted on the plus strand (AGAA on the coding strand, the reverse complement: RECQL is on the minus strand); deleting any 4 consecutive bases within chr12:21,471,632-21,471,642 gives the same sequence; the c. name uses the placement nearest the transcript's 3' end. VCF-style (leftmost placement, unchanged base first): chr12-21471631-GTTCT-G. GRCh37 (hg19) VCF-style: chr12-21624565-GTTCT-G.
Other names: c.1460_1463del, p.Lys487fs (NM_032941.3); c.1460_1463delAGAA (NM_002907.3); short protein forms K487fs.
Identifiers: ClinVar variation 1439827 (VCV001439827.7), dbSNP rs776151169, ClinGen allele CA6478736.